The following is an entry in ClinVar:

NM_004252.5(NHERF1):c.34C>T (p.Pro12Ser)

Genes: NHERF1 (NHERF family PDZ scaffold protein 1; plus strand), SLC9A3R1-AS1 (SLC9A3R1 antisense RNA 1; minus strand). Cytogenetic location: 17q25.1.
Variant type: single nucleotide variant.
Coding change: c.34C>T on transcript NM_004252.5 (MANE Select); coding-DNA position 34, C replaced by T.
Protein change: p.Pro12Ser; replaces proline 12 with serine.
Molecular consequence: missense variant. On other transcripts: non-coding transcript variant (1).
Genome position (GRCh38, 1-based): chr17:74,748,880, C>T. VCF-style: chr17-74748880-C-T. GRCh37 (hg19) VCF-style: chr17-72745019-C-T.
Other names: short protein forms P12S.
Identifiers: ClinVar variation 4119625 (VCV004119625.2).

ClinVar aggregate classification (germline): Uncertain significance. Review status: criteria provided, multiple submitters, no conflicts (2 of 4 stars). 2 submissions from 2 submitters: Uncertain significance (2). Last evaluated 2025-09-11.

Conditions:
Inborn genetic diseases. Identifiers: MedGen C0950123, MeSH D030342.

gnomAD v4.1: 5 of 1,596,890 alleles (0.00031%); highest among the groups gnomAD compares: Admixed American, 0.0017%; no homozygotes.

Submissions (2):

Ambry Genetics
Classification: Uncertain significance for Inborn genetic diseases. Last evaluated: 2025-09-11. Review status: criteria provided, single submitter. Criteria: Ambry Variant Classification Scheme 2023. Collection method: clinical testing. Allele origin: germline.

Labcorp Genetics (formerly Invitae), Labcorp
Classification: Uncertain significance. Last evaluated: 2025-06-01. Review status: criteria provided, single submitter. Criteria: Invitae Variant Classification Sherloc (09022015). Collection method: clinical testing. Allele origin: germline.
Comment: This sequence change replaces proline, which is neutral and non-polar, with serine, which is neutral and polar, at codon 12 of the SLC9A3R1 protein (p.Pro12Ser). The frequency data for this variant in the population databases is considered unreliable, as metrics indicate poor data quality at this position in the gnomAD database. This variant has not been reported in the literature in individuals affected with SLC9A3R1-related conditions. An algorithm developed to predict the effect of missense changes on protein structure and function (PolyPhen-2) suggests that this variant is likely to be disruptive. In summary, the available evidence is currently insufficient to determine the role of this variant in disease. Therefore, it has been classified as a Variant of Uncertain Significance.